The following is an entry in ClinVar:

NM_005733.3(KIF20A):c.373C>A (p.Gln125Lys)

Gene: KIF20A (kinesin family member 20A; plus strand). Cytogenetic location: 5q31.2.
Variant type: single nucleotide variant.
Coding change: c.373C>A on transcript NM_005733.3 (MANE Select); coding-DNA position 373, C replaced by A.
Protein change: p.Gln125Lys; replaces glutamine 125 with lysine.
Molecular consequence: missense variant.
Genome position (GRCh38, 1-based): chr5:138,181,726, C>A. VCF-style: chr5-138181726-C-A. GRCh37 (hg19) VCF-style: chr5-137517415-C-A.
Other names: short protein forms Q125K.
Identifiers: ClinVar variation 2172148 (VCV002172148.4), dbSNP rs1403855402, ClinGen allele CA361112626.

ClinVar aggregate classification (germline): Uncertain significance (1 of 4 stars; one submission).

Allele frequency attached by ClinVar (database versions not stated): gnomAD exomes below 0.00001; gnomAD 0.00001; TOPMed 0.00001.
gnomAD v4.1: 4 of 1,613,562 alleles (0.00025%); highest among the groups gnomAD compares: Non-Finnish European, 0.00034%; no homozygotes.

Submission:

Labcorp Genetics (formerly Invitae), Labcorp
Classification: Uncertain significance. Last evaluated: 2022-01-17. Review status: criteria provided, single submitter. Criteria: Invitae Variant Classification Sherloc (09022015). Collection method: clinical testing. Allele origin: germline.
Comment: In summary, the available evidence is currently insufficient to determine the role of this variant in disease. Therefore, it has been classified as a Variant of Uncertain Significance. Algorithms developed to predict the effect of missense changes on protein structure and function output the following: SIFT: "Deleterious"; PolyPhen-2: "Benign"; Align-GVGD: "Class C45". The lysine amino acid residue is found in multiple mammalian species, which suggests that this missense change does not adversely affect protein function. This variant has not been reported in the literature in individuals affected with KIF20A-related conditions. This variant is not present in population databases (gnomAD no frequency). This sequence change replaces glutamine, which is neutral and polar, with lysine, which is basic and polar, at codon 125 of the KIF20A protein (p.Gln125Lys).